The following is an entry in ClinVar:

ClinVar aggregate classification (germline): Uncertain significance (1 of 4 stars; one submission).

Conditions:
Arrhythmogenic cardiomyopathy with wooly hair and keratoderma. Also called: PALMOPLANTAR KERATODERMA WITH LEFT VENTRICULAR CARDIOMYOPATHY AND WOOLLY HAIR; Carvajal syndrome; Dilated cardiomyopathy with woolly hair and keratoderma; Arrhythmogenic cardiomyopathy with woolly hair and keratoderma. Identifiers: Orphanet 65282, MedGen C1854063, MONDO:0011581, OMIM 605676.

Submission:

All of Us Research Program, National Institutes of Health
Classification: Uncertain significance for Arrhythmogenic cardiomyopathy with wooly hair and keratoderma. Last evaluated: 2023-05-16. Review status: criteria provided, single submitter. Criteria: ACMG Guidelines, 2015. Collection method: clinical testing. Allele origin: germline. Inheritance: Autosomal dominant inheritance. Observed: 1 variant allele, 1 heterozygote.
Comment: This missense variant replaces valine with methionine at codon 2173 of the DSP protein. Computational prediction suggests that this variant may not impact protein structure and function (internally defined REVEL score threshold <= 0.5, PMID: 27666373). To our knowledge, functional studies have not been reported for this variant. This variant has not been reported in individuals affected with DSP-related disorders in the literature. This variant has not been identified in the general population by the Genome Aggregation Database (gnomAD). The available evidence is insufficient to determine the role of this variant in disease conclusively. Therefore, this variant is classified as a Variant of Uncertain Significance.

This study involves interpretation of variants in research participants for the purpose of population health screening. Participant phenotype was not available at the time of variant classification. Additional details can be found in publication PMID: 35346344, PMCID: PMC8962531

NM_004415.4(DSP):c.6517G>A (p.Val2173Met)

Gene: DSP (desmoplakin; plus strand). Cytogenetic location: 6p24.3.
Variant type: single nucleotide variant.
Coding change: c.6517G>A on transcript NM_004415.4 (MANE Select); coding-DNA position 6517, G replaced by A.
Protein change: p.Val2173Met; replaces valine 2173 with methionine.
Molecular consequence: missense variant.
Genome position (GRCh38, 1-based): chr6:7,583,779, G>A. VCF-style: chr6-7583779-G-A. GRCh37 (hg19) VCF-style: chr6-7584012-G-A.
Other names: c.4720G>A, p.Val1574Met (NM_001008844.3); c.5188G>A, p.Val1730Met (NM_001319034.2); short protein forms V1574M, V1730M, V2173M.
Identifiers: ClinVar variation 3071023 (VCV003071023.1), dbSNP rs2533941825, ClinGen allele CA362690965.
Genomic context (GRCh38, chr6:7,583,779, plus strand): 5'-CTGATTGATAGAGATTTGTATCGATCCCTGAATGATCCCCGAGATAGTCAGAAAAACTTT[G>A]TGGATCCAGTCACCAAAAAGAAGGTCAGTTACGTGCAGCTGAAGGAACGGTGCAGAATCG-3'
Protein context (NP_004406.2, residues 2163-2183): NDPRDSQKNF[Val2173Met]DPVTKKKVSY